The following is an entry in ClinVar:

NM_000051.4(ATM):c.5623C>A (p.Arg1875=)

Gene: ATM (ATM serine/threonine kinase; plus strand). Cytogenetic location: 11q22.3.
Variant type: single nucleotide variant.
Coding change: c.5623C>A on transcript NM_000051.4 (MANE Select); coding-DNA position 5623, C replaced by A.
Protein change: p.Arg1875=; no amino-acid change (arginine 1875 retained).
Molecular consequence: synonymous variant.
Genome position (GRCh38, 1-based): chr11:108,304,801, C>A. VCF-style: chr11-108304801-C-A. GRCh37 (hg19) VCF-style: chr11-108175528-C-A.
Other names: c.5623C>A, p.Arg1875= (NM_001351834.2).
Identifiers: ClinVar variation 453590 (VCV000453590.17), dbSNP rs376603775, ClinGen allele CA476675174.

ClinVar aggregate classification (germline): Benign/Likely benign. Review status: criteria provided, multiple submitters, no conflicts (2 of 4 stars). 5 submissions from 5 submitters: Benign (1); Likely benign (4). Last evaluated 2025-03-04.

Conditions:
Hereditary cancer-predisposing syndrome. Also called: Tumor predisposition; Hereditary Cancer Syndrome; Neoplastic Syndromes, Hereditary; Hereditary neoplastic syndrome. Identifiers: Orphanet 140162, MedGen C0027672, MeSH D009386, MONDO:0015356.
Familial cancer of breast. Also called: Hereditary breast cancer; hereditary breast carcinoma; BREAST CANCER, FAMILIAL. Identifiers: Orphanet 227535, MedGen C0346153, MONDO:0016419, OMIM 114480. Disease mechanism: loss of function.
Ataxia-telangiectasia syndrome (AT). Also called: Cerebello-oculocutaneous telangiectasia; Immunodeficiency with ataxia telangiectasia; Ataxia-telangiectasia, complementation group D; AT, COMPLEMENTATION GROUP C; Ataxia-telangiectasia, complementation group E; LOUIS-BAR SYNDROME. Identifiers: Orphanet 100, MedGen C0004135, MONDO:0008840, OMIM 208900.

gnomAD v4.1: 4 of 1,613,516 alleles (0.00025%); highest among the groups gnomAD compares: Non-Finnish European, 0.00025%; no homozygotes.

Submissions (5):

Center for Genomic Medicine, Rigshospitalet, Copenhagen University Hospital
Classification: Likely benign. Last evaluated: 2025-03-04. Review status: criteria provided, single submitter. Criteria: ACMG Guidelines, 2015. Collection method: clinical testing. Allele origin: germline.

Myriad Genetics, Inc.
Classification: Benign for Familial cancer of breast. Last evaluated: 2024-05-23. Review status: criteria provided, single submitter. Criteria: Myriad Autosomal Dominant, Autosomal Recessive and X-Linked Classification Criteria (2023). Collection method: clinical testing. Allele origin: unknown.
Comment: This variant is considered benign. This variant is a silent/synonymous amino acid change and it is not expected to impact splicing.

Labcorp Genetics (formerly Invitae), Labcorp
Classification: Likely benign for Ataxia-telangiectasia syndrome. Last evaluated: 2024-01-03. Review status: criteria provided, single submitter. Criteria: Invitae Variant Classification Sherloc (09022015). Collection method: clinical testing. Allele origin: germline.

Ambry Genetics
Classification: Likely benign for Hereditary cancer-predisposing syndrome. Last evaluated: 2019-07-18. Review status: criteria provided, single submitter. Criteria: Ambry Variant Classification Scheme 2023. Collection method: clinical testing. Allele origin: germline.

Color Diagnostics, LLC DBA Color Health
Classification: Likely benign for Hereditary cancer-predisposing syndrome. Last evaluated: 2018-07-24. Review status: criteria provided, single submitter. Criteria: ACMG Guidelines, 2015. Collection method: clinical testing. Allele origin: germline.